The following is an entry in ClinVar:

ClinVar aggregate classification (germline): Uncertain significance (1 of 4 stars; one submission).

Submission:

Labcorp Genetics (formerly Invitae), Labcorp
Classification: Uncertain significance. Last evaluated: 2025-11-17. Review status: criteria provided, single submitter. Criteria: Invitae Variant Classification Sherloc (09022015). Collection method: clinical testing. Allele origin: germline.
Comment: This sequence change replaces alanine, which is neutral and non-polar, with proline, which is neutral and non-polar, at codon 1211 of the CHD8 protein (p.Ala1211Pro). This variant is not present in population databases (gnomAD no frequency). This variant has not been reported in the literature in individuals affected with CHD8-related conditions. Invitae Evidence Modeling of protein sequence and biophysical properties (such as structural, functional, and spatial information, amino acid conservation, physicochemical variation, residue mobility, and thermodynamic stability) indicates that this missense variant is not expected to disrupt CHD8 protein function with a negative predictive value of 95%. In summary, the available evidence is currently insufficient to determine the role of this variant in disease. Therefore, it has been classified as a Variant of Uncertain Significance.

NM_001170629.2(CHD8):c.3631G>C (p.Ala1211Pro)

Gene: CHD8 (chromodomain helicase DNA binding protein 8; minus strand). Cytogenetic location: 14q11.2.
Variant type: single nucleotide variant.
Coding change: c.3631G>C on transcript NM_001170629.2 (MANE Select); coding-DNA position 3631, G replaced by C.
Protein change: p.Ala1211Pro; replaces alanine 1211 with proline.
Molecular consequence: missense variant.
Genome position (GRCh38, 1-based): chr14:21,403,100, C>G on the plus strand (G>C on the coding strand, the complement: CHD8 is on the minus strand). VCF-style: chr14-21403100-C-G. GRCh37 (hg19) VCF-style: chr14-21871259-C-G.
Other names: c.2794G>C, p.Ala932Pro (NM_020920.4); short protein forms A1211P, A932P.
Identifiers: ClinVar variation 4746950 (VCV004746950.1).